The following is an entry in ClinVar:

ClinVar aggregate classification (germline): Uncertain significance (1 of 4 stars; one submission).

Conditions:
MOGS-congenital disorder of glycosylation. Also called: CDG IIb; MOGS-CDG; CDG 2B; GLUCOSIDASE I DEFICIENCY. Identifiers: Orphanet 79330, MedGen C1853736, MONDO:0011629, OMIM 606056.

Allele frequency attached by ClinVar (database versions not stated): ExAC 0.00001.

Submission:

Labcorp Genetics (formerly Invitae), Labcorp
Classification: Uncertain significance for MOGS-congenital disorder of glycosylation. Last evaluated: 2020-03-04. Review status: criteria provided, single submitter. Criteria: Invitae Variant Classification Sherloc (09022015). Collection method: clinical testing. Allele origin: germline.
Comment: This sequence change results in a premature translational stop signal in the MOGS gene (p.Gln800*). While this is not anticipated to result in nonsense mediated decay, it is expected to disrupt the last 38 amino acids of the MOGS protein. The frequency data for this variant in the population databases is considered unreliable, as metrics indicate poor data quality at this position in the ExAC database. This variant has not been reported in the literature in individuals with MOGS-related conditions. This variant disrupts a region of the protein in which other variant(s) (p.Thr802Ile) have been observed in individuals with MOGS-related conditions (PMID: 29235540). This suggests that this may be a clinically significant region of the MOGS protein. In summary, the available evidence is currently insufficient to determine the role of this variant in disease. Therefore, it has been classified as a Variant of Uncertain Significance.

Literature cited by the submitters: PubMed 29235540.

NM_006302.3(MOGS):c.2398C>T (p.Gln800Ter)

Gene: MOGS (mannosyl-oligosaccharide glucosidase; minus strand). Cytogenetic location: 2p13.1.
Variant type: single nucleotide variant.
Coding change: c.2398C>T on transcript NM_006302.3 (MANE Select); coding-DNA position 2398, C replaced by T.
Protein change: p.Gln800Ter; replaces glutamine 800 with a stop codon.
Molecular consequence: nonsense.
Genome position (GRCh38, 1-based): chr2:74,461,391, G>A on the plus strand (C>T on the coding strand, the complement: MOGS is on the minus strand). VCF-style: chr2-74461391-G-A. GRCh37 (hg19) VCF-style: chr2-74688518-G-A.
Other names: c.2080C>T, p.Gln694Ter (NM_001146158.2); short protein forms Q694*, Q800*.
Identifiers: ClinVar variation 1009097 (VCV001009097.9), dbSNP rs753261712, ClinGen allele CA1724588.